The following is an entry in ClinVar:

NM_001127644.2(GABRA1):c.881C>T (p.Thr294Ile)

Gene: GABRA1 (gamma-aminobutyric acid type A receptor subunit alpha1; plus strand). Cytogenetic location: 5q34.
Variant type: single nucleotide variant.
Coding change: c.881C>T on transcript NM_001127644.2 (MANE Select); coding-DNA position 881, C replaced by T.
Protein change: p.Thr294Ile; replaces threonine 294 with isoleucine.
Molecular consequence: missense variant.
Genome position (GRCh38, 1-based): chr5:161,895,690, C>T. VCF-style: chr5-161895690-C-T. GRCh37 (hg19) VCF-style: chr5-161322696-C-T.
Other names: p.T294I:ACA>ATA; c.881C>T, p.Thr294Ile (NM_000806.5, NM_001127643.2, NM_001127645.2 and 1 more transcripts); short protein forms T294I.
Identifiers: ClinVar variation 205524 (VCV000205524.43), dbSNP rs796052495, ClinGen allele CA314678.

ClinVar aggregate classification (germline): Pathogenic. Review status: criteria provided, multiple submitters, no conflicts (2 of 4 stars). 2 submissions from 2 submitters: Pathogenic (2). Last evaluated 2019-11-01.

Submissions (2):

CeGaT Center for Human Genetics Tuebingen
Classification: Pathogenic. Last evaluated: 2019-11-01. Review status: criteria provided, single submitter. Criteria: CeGaT Center For Human Genetics Tuebingen Variant Classification Criteria Version 2. Collection method: clinical testing. Allele origin: germline. Affected: yes. Observed: 3 variant alleles.

GeneDx
Classification: Pathogenic. Last evaluated: 2017-10-09. Review status: criteria provided, single submitter. Criteria: GeneDx Variant Classification (06012015). Collection method: clinical testing. Allele origin: germline. Affected: yes.
Comment: The T294I variant in the GABRA1 gene has not been reported previously as a pathogenic variant nor as a benign variant, to our knowledge. The T294I variant is not observed in large population cohorts (Lek et al., 2016). The T294I variant is a non-conservative amino acid substitution, which is likely to impact secondary protein structure as these residues differ in polarity, charge, size and/or other properties. This substitution occurs at a position that is conserved across species. In silico analysis predicts this variant is probably damaging to the protein structure/function. Missense variants in nearby residues (T289A, T289P, T292I) have been reported in the Human Gene Mutation Database in association with GABRA1-related disorder (Stenson et al., 2014), supporting the functional importance of this region of the protein. We interpret T294I as a pathogenic variant.